The following is an entry in ClinVar:

ClinVar aggregate classification (germline): Uncertain significance (1 of 4 stars; one submission).

Allele frequency attached by ClinVar (database versions not stated): gnomAD exomes 0.00001; ExAC 0.00003.
gnomAD v4.1: 3 of 1,588,684 alleles (0.00019%); highest among the groups gnomAD compares: South Asian, 0.0011%; no homozygotes.

Submission:

Labcorp Genetics (formerly Invitae), Labcorp
Classification: Uncertain significance. Last evaluated: 2025-03-10. Review status: criteria provided, single submitter. Criteria: Invitae Variant Classification Sherloc (09022015). Collection method: clinical testing. Allele origin: germline.
Comment: This sequence change replaces leucine, which is neutral and non-polar, with phenylalanine, which is neutral and non-polar, at codon 15 of the COL9A2 protein (p.Leu15Phe). The frequency data for this variant in the population databases is considered unreliable, as metrics indicate poor data quality at this position in the gnomAD database. This variant has not been reported in the literature in individuals affected with COL9A2-related conditions. ClinVar contains an entry for this variant (Variation ID: 2099232). Invitae Evidence Modeling of protein sequence and biophysical properties (such as structural, functional, and spatial information, amino acid conservation, physicochemical variation, residue mobility, and thermodynamic stability) indicates that this missense variant is not expected to disrupt COL9A2 protein function with a negative predictive value of 95%. In summary, the available evidence is currently insufficient to determine the role of this variant in disease. Therefore, it has been classified as a Variant of Uncertain Significance.

NM_001852.4(COL9A2):c.43C>T (p.Leu15Phe)

Gene: COL9A2 (collagen type IX alpha 2 chain; minus strand). Cytogenetic location: 1p34.2.
Variant type: single nucleotide variant.
Coding change: c.43C>T on transcript NM_001852.4 (MANE Select); coding-DNA position 43, C replaced by T.
Protein change: p.Leu15Phe; replaces leucine 15 with phenylalanine.
Molecular consequence: missense variant.
Genome position (GRCh38, 1-based): chr1:40,317,155, G>A on the plus strand (C>T on the coding strand, the complement: COL9A2 is on the minus strand). VCF-style: chr1-40317155-G-A. GRCh37 (hg19) VCF-style: chr1-40782827-G-A.
Other names: short protein forms L15F.
Identifiers: ClinVar variation 2099232 (VCV002099232.4), dbSNP rs767890705, ClinGen allele CA792131.